The following is an entry in ClinVar:

ClinVar aggregate classification (germline): Uncertain significance (1 of 4 stars; one submission).

Submission:

Women's Health and Genetics/Laboratory Corporation of America, LabCorp
Classification: Uncertain significance. Last evaluated: 2022-09-09. Review status: criteria provided, single submitter. Criteria: LabCorp Variant Classification Summary - May 2015. Collection method: clinical testing. Allele origin: germline.
Comment: Variant summary: NSD1 c.6625G>C (p.Gly2209Arg) results in a non-conservative amino acid change located in the NSD, Cys-His rich domain (IPR041306) of the encoded protein sequence. Four of five in-silico tools predict a damaging effect of the variant on protein function. The variant was absent in 251484 control chromosomes (gnomAD). The available data on variant occurrences in the general population are insufficient to allow any conclusion about variant significance. To our knowledge, no occurrence of c.6625G>C in individuals affected with Sotos Syndrome 1 and no experimental evidence demonstrating its impact on protein function have been reported. No clinical diagnostic laboratories have submitted clinical-significance assessments for this variant to ClinVar after 2014. Based on the evidence outlined above, the variant was classified as uncertain significance.

NM_022455.5(NSD1):c.6625G>C (p.Gly2209Arg)

Gene: NSD1 (nuclear receptor binding SET domain protein 1; plus strand). Cytogenetic location: 5q35.3.
Variant type: single nucleotide variant.
Coding change: c.6625G>C on transcript NM_022455.5 (MANE Select); coding-DNA position 6625, G replaced by C.
Protein change: p.Gly2209Arg; replaces glycine 2209 with arginine.
Molecular consequence: missense variant.
Genome position (GRCh38, 1-based): chr5:177,293,993, G>C. VCF-style: chr5-177293993-G-C. GRCh37 (hg19) VCF-style: chr5-176720994-G-C.
Other names: c.5752G>C, p.Gly1918Arg (NM_001365684.2, NM_001409308.1, NM_172349.5); c.6625G>C, p.Gly2209Arg (NM_001409301.1, NM_001409302.1, NM_001409303.1); c.6205G>C, p.Gly2069Arg (NM_001409304.1); c.5872G>C, p.Gly1958Arg (NM_001409305.1); c.5863G>C, p.Gly1955Arg (NM_001409306.1, NM_001409307.1); c.5503G>C, p.Gly1835Arg (NM_001409309.1); short protein forms G1835R, G1918R, G1940R, G1955R, G1958R, G2069R, G2209R.
Identifiers: ClinVar variation 1722453 (VCV001722453.1), dbSNP rs1760067330, ClinGen allele CA362324438.